The following is an entry in ClinVar:

NM_030653.4(DDX11):c.1180G>A (p.Glu394Lys)

Gene: DDX11 (DEAD/H-box helicase 11; plus strand). Cytogenetic location: 12p11.21.
Variant type: single nucleotide variant.
Coding change: c.1180G>A on transcript NM_030653.4 (MANE Select); coding-DNA position 1180, G replaced by A.
Protein change: p.Glu394Lys; replaces glutamic acid 394 with lysine.
Molecular consequence: missense variant.
Genome position (GRCh38, 1-based): chr12:31,091,809, G>A. VCF-style: chr12-31091809-G-A. GRCh37 (hg19) VCF-style: chr12-31244743-G-A.
Other names: c.1180G>A, p.Glu394Lys (NM_001257144.2, NM_001413692.1, NM_001413693.1 and 5 more transcripts); c.1102G>A, p.Glu368Lys (NM_001257145.2, NM_001413697.1, NM_001413698.1 and 1 more transcripts); c.1093G>A, p.Glu365Lys (NM_001413700.1); c.652G>A, p.Glu218Lys (NM_001413702.1, NM_001413703.1); c.319G>A, p.Glu107Lys (NM_001413704.1, NM_001413705.1); c.214G>A, p.Glu72Lys (NM_001413706.1); short protein forms E107K, E218K, E365K, E368K, E394K, E72K.
Identifiers: ClinVar variation 1805318 (VCV001805318.1), dbSNP rs765068084, ClinGen allele CA6501124.

ClinVar aggregate classification (germline): Uncertain significance (1 of 4 stars; one submission).

Conditions:
Warsaw breakage syndrome (WABS). Also called: DDX11-Related Cohesinopathy. Identifiers: Orphanet 280558, MedGen C3150658, MONDO:0013252, OMIM 613398.

Allele frequency attached by ClinVar (database versions not stated): ExAC 0.00001; gnomAD 0.00001; gnomAD exomes 0.00002.
gnomAD v4.1: 29 of 1,613,746 alleles (0.0018%); highest among the groups gnomAD compares: African/African-American, 0.0053%; no homozygotes.

Submission:

Victorian Clinical Genetics Services, Murdoch Childrens Research Institute
Classification: Uncertain significance for Warsaw breakage syndrome. Last evaluated: 2020-05-26. Review status: criteria provided, single submitter. Criteria: ACMG Guidelines, 2015. Collection method: clinical testing. Allele origin: germline. Inheritance: Autosomal recessive inheritance. Affected: yes.
Comment: Based on the classification scheme VCGS_Germline_v1.1.1, this variant is classified as 3B-VUS. Following criteria are met: 0102 - Loss-of-function is a known mechanism of disease for this gene. (N) 0106 - This gene is known to be associated with autosomal recessive disease. (N) 0200 - Variant is predicted to result in a missense amino acid change from glutamic acid to lysine (exon 10). (N) 0251 - Variant is heterozygous. (N) 0304 - Variant is present in gnomAD <0.01 for a recessive condition (5 heterozygotes, 0 homozygotes). (P) 0309 - An alternative amino acid change at the same position has been observed in gnomAD (1 heterozygote, 0 homozygotes). (N) 0501 - Missense variant consistently predicted to be damaging by multiple in silico tools or highly conserved with a major amino acid change. (P) 0601 - Variant affects at least one established functional domain or motif (DEAH box within the DEAD_2 domain; PDB, UniProt). The DEAH box motif is present in the RNA helicase protein family including DDX11. The motif has been shown to be essential for DNA binding in homologous proteins. (PMID:20696886) (P) 0705 - No comparable variants have previous evidence for pathogenicity. (N) 0807 - Variant has not previously been reported in a clinical context. (N) 0905 - No segregation evidence has been identified for this variant. (N) 1007 - No published functional evidence has been identified for this variant. (N) 1208 - Inheritance information for this variant is not currently available. (N) Legend: (P) - Pathogenic, (N) - Neutral, (B) - Benign

Literature cited by the submitters: PubMed 20696886.